The following is an entry in ClinVar:

NM_006642.5(SDCCAG8):c.2091G>T (p.Glu697Asp)

Genes: AKT3 (AKT serine/threonine kinase 3; minus strand), SDCCAG8 (SHH signaling and ciliogenesis regulator SDCCAG8; plus strand). Cytogenetic location: 1q43.
Variant type: single nucleotide variant.
Coding change: c.2091G>T on transcript NM_006642.5 (MANE Select); coding-DNA position 2091, G replaced by T.
Protein change: p.Glu697Asp; replaces glutamic acid 697 with aspartic acid.
Molecular consequence: missense variant. On other transcripts: intron variant (1).
Genome position (GRCh38, 1-based): chr1:243,489,119, G>T. VCF-style: chr1-243489119-G-T. GRCh37 (hg19) VCF-style: chr1-243652421-G-T.
Other names: c.1188G>T, p.Glu396Asp (NM_001350246.2, NM_001350247.2, NM_001350251.2); c.2187G>T, p.Glu729Asp (NM_001350248.2); c.1797G>T, p.Glu599Asp (NM_001350249.2); c.*7-669C>A (NM_181690.2); short protein forms E599D, E697D, E729D, E396D.
Identifiers: ClinVar variation 1987727 (VCV001987727.1), dbSNP rs978082572, ClinGen allele CA41016496.
Genomic context (GRCh38, chr1:243,489,119, plus strand): 5'-GGTGCAGCTCCTCAGCAAGCAGAACCAGCTTCTCCTGGAGAGGCAGAGCCTGTCGGAAGA[G>T]GTGGACCGGCTGCGGACCCAGGTACTGTGCAGAACGCGGCGCAGGTGGGAGTCCTTGGGC-3'
Protein context (NP_006633.1, residues 687-707): LLLERQSLSE[Glu697Asp]VDRLRTQLPS

ClinVar aggregate classification (germline): Uncertain significance (1 of 4 stars; one submission).

Conditions:
Senior-Loken syndrome 7 (SLSN7). Identifiers: Orphanet 3156, MedGen C3150877, MONDO:0013326, OMIM 613615.
Bardet-Biedl syndrome 16 (BBS16). Identifiers: Orphanet 110, MedGen C3889474, MONDO:0014444, OMIM 615993.

Allele frequency attached by ClinVar (database versions not stated): gnomAD exomes below 0.00001.
gnomAD v4.1: 6 of 1,612,846 alleles (0.00037%); highest among the groups gnomAD compares: Admixed American, 0.0033%; no homozygotes.

Submission:

Labcorp Genetics (formerly Invitae), Labcorp
Classification: Uncertain significance for Bardet-Biedl syndrome 16; Senior-Loken syndrome 7. Last evaluated: 2022-02-09. Review status: criteria provided, single submitter. Criteria: Invitae Variant Classification Sherloc (09022015). Collection method: clinical testing. Allele origin: germline.
Comment: This sequence change replaces glutamic acid, which is acidic and polar, with aspartic acid, which is acidic and polar, at codon 697 of the SDCCAG8 protein (p.Glu697Asp). This variant is present in population databases (no rsID available, gnomAD 0.006%). This variant has not been reported in the literature in individuals affected with SDCCAG8-related conditions. Algorithms developed to predict the effect of missense changes on protein structure and function (SIFT, PolyPhen-2, Align-GVGD) all suggest that this variant is likely to be tolerated. In summary, the available evidence is currently insufficient to determine the role of this variant in disease. Therefore, it has been classified as a Variant of Uncertain Significance.